The following is an entry in ClinVar:

ClinVar aggregate classification (germline): Likely benign (1 of 4 stars; one submission).

gnomAD v4.1: 81 of 1,614,060 alleles (0.005%); highest among the groups gnomAD compares: Non-Finnish European, 0.0065%; no homozygotes.

Submission:

CeGaT Center for Human Genetics Tuebingen
Classification: Likely benign. Last evaluated: 2025-05-01. Review status: criteria provided, single submitter. Criteria: CeGaT Center For Human Genetics Tuebingen Variant Classification Criteria Version 2. Collection method: clinical testing. Allele origin: germline. Affected: yes. Observed: 1 variant allele.
Comment: TNR: BP4, BP7

NM_003285.3(TNR):c.333G>A (p.Gln111=)

Gene: TNR (tenascin R; minus strand). Cytogenetic location: 1q25.1.
Variant type: single nucleotide variant.
Coding change: c.333G>A on transcript NM_003285.3 (MANE Select); coding-DNA position 333, G replaced by A.
Protein change: p.Gln111=; no amino-acid change (glutamine 111 retained).
Molecular consequence: synonymous variant. On other transcripts: 5 prime UTR variant (1).
Genome position (GRCh38, 1-based): chr1:175,406,382, C>T on the plus strand (G>A on the coding strand, the complement: TNR is on the minus strand). VCF-style: chr1-175406382-C-T. GRCh37 (hg19) VCF-style: chr1-175375518-C-T.
Other names: c.-563G>A (NM_001328635.2).
Identifiers: ClinVar variation 3905333 (VCV003905333.10).